The following is an entry in ClinVar:

ClinVar aggregate classification (germline): Benign/Likely benign. Review status: criteria provided, multiple submitters, no conflicts (2 of 4 stars). 2 submissions from 2 submitters: Benign (1); Likely benign (1). Last evaluated 2024-12-23.

Conditions:
Hereditary nonpolyposis colorectal neoplasms. Identifiers: MedGen C0009405, MeSH D003123.
Lynch syndrome 5 (LYNCH5). Also called: Hereditary non-polyposis colorectal cancer, type 5; Colorectal cancer, hereditary nonpolyposis, type 5. Identifiers: Orphanet 144, MedGen C1833477, MONDO:0013710, OMIM 614350. Disease mechanism: loss of function.

Submissions (2):

Myriad Genetics, Inc.
Classification: Benign for Lynch syndrome 5. Last evaluated: 2024-12-23. Review status: criteria provided, single submitter. Criteria: Myriad Autosomal Dominant, Autosomal Recessive and X-Linked Classification Criteria (2023). Collection method: clinical testing. Allele origin: unknown.
Comment: This variant is considered benign. This variant is a silent/synonymous amino acid change and it is not expected to impact splicing.

Labcorp Genetics (formerly Invitae), Labcorp
Classification: Likely benign for Hereditary nonpolyposis colorectal neoplasms. Last evaluated: 2022-09-26. Review status: criteria provided, single submitter. Criteria: Invitae Variant Classification Sherloc (09022015). Collection method: clinical testing. Allele origin: germline.

NM_000179.3(MSH6):c.1203T>C (p.Asp401=)

Gene: MSH6 (mutS homolog 6; plus strand). Cytogenetic location: 2p16.3.
Variant type: single nucleotide variant.
Coding change: c.1203T>C on transcript NM_000179.3 (MANE Select); coding-DNA position 1203, T replaced by C.
Protein change: p.Asp401=; no amino-acid change (aspartic acid 401 retained).
Molecular consequence: synonymous variant. On other transcripts: non-coding transcript variant (4), intron variant (1).
Genome position (GRCh38, 1-based): chr2:47,799,186, T>C. VCF-style: chr2-47799186-T-C. GRCh37 (hg19) VCF-style: chr2-48026325-T-C.
Other names: c.813T>C, p.Asp271= (NM_001281492.2); c.297T>C, p.Asp99= (NM_001281493.2, NM_001281494.2, NM_001406811.1 and 6 more transcripts); c.1299T>C, p.Asp433= (NM_001406795.1, NM_001406802.1); c.1203T>C, p.Asp401= (NM_001406796.1, NM_001406798.1, NM_001406800.1 and 4 more transcripts); c.906T>C, p.Asp302= (NM_001406797.1, NM_001406801.1, NM_001406805.1 and 10 more transcripts); c.678T>C, p.Asp226= (NM_001406799.1, NM_001406806.1, NM_001406807.1); c.1125T>C, p.Asp375= (NM_001406804.1); c.1209T>C, p.Asp403= (NM_001406813.1); and 2 more.
Identifiers: ClinVar variation 2188184 (VCV002188184.5), dbSNP rs2104327711, ClinGen allele CA426120817.